The following is an entry in ClinVar:

ClinVar aggregate classification (germline): Uncertain significance (1 of 4 stars; one submission).

Conditions:
Hereditary cancer-predisposing syndrome. Also called: Tumor predisposition; Neoplastic Syndromes, Hereditary; Hereditary Cancer Syndrome; Hereditary neoplastic syndrome. Identifiers: Orphanet 140162, MedGen C0027672, MeSH D009386, MONDO:0015356.

Submission:

Ambry Genetics
Classification: Uncertain significance for Hereditary cancer-predisposing syndrome. Last evaluated: 2022-03-02. Review status: criteria provided, single submitter. Criteria: Ambry Variant Classification Scheme 2023. Collection method: clinical testing. Allele origin: germline.
Comment: The p.V1052F variant (also known as c.3154G>T), located in coding exon 19 of the DICER1 gene, results from a G to T substitution at nucleotide position 3154. The valine at codon 1052 is replaced by phenylalanine, an amino acid with highly similar properties. This amino acid position is conserved. In addition, the in silico prediction for this alteration is inconclusive. Since supporting evidence is limited at this time, the clinical significance of this alteration remains unclear.

NM_177438.3(DICER1):c.3154G>T (p.Val1052Phe)

Gene: DICER1 (dicer 1, ribonuclease III; minus strand). Cytogenetic location: 14q32.13.
Variant type: single nucleotide variant.
Coding change: c.3154G>T on transcript NM_177438.3 (MANE Select); coding-DNA position 3154, G replaced by T.
Protein change: p.Val1052Phe; replaces valine 1052 with phenylalanine.
Molecular consequence: missense variant. On other transcripts: non-coding transcript variant (6).
Genome position (GRCh38, 1-based): chr14:95,105,186, C>A on the plus strand (G>T on the coding strand, the complement: DICER1 is on the minus strand). VCF-style: chr14-95105186-C-A. GRCh37 (hg19) VCF-style: chr14-95571523-C-A.
Other names: c.3154G>T, p.Val1052Phe (NM_001195573.1, NM_001271282.3, NM_001291628.2 and 13 more transcripts); c.2872G>T, p.Val958Phe (NM_001395686.1); c.2749G>T, p.Val917Phe (NM_001395687.1, NM_001395688.1, NM_001395689.1 and 2 more transcripts); c.2587G>T, p.Val863Phe (NM_001395691.1); c.1471G>T, p.Val491Phe (NM_001395697.1); short protein forms V863F, V917F, V958F, V1052F, V491F.
Identifiers: ClinVar variation 1728223 (VCV001728223.2), dbSNP rs2542755483, ClinGen allele CA390876733.
Genomic context (GRCh38, chr14:95,105,186, plus strand): 5'-CTCTTAGCTCCTCTGCAGTCAAAAGGCAGTGAAGGCGATAAAGTATGCTGGGGAGACAAA[C>A]AGCTTTTCTCCACAGTGATGCTGGAATTGGATGTATAGCACAGAGTTCTGGAACCAGTAT-3'
Protein context (NP_803187.1, residues 1042-1062): PIPASLWRKA[Val1052Phe]CLPSILYRLH